The following is an entry in ClinVar:

NM_000343.4(SLC5A1):c.*1237A>G

Gene: SLC5A1 (solute carrier family 5 member 1; plus strand). Cytogenetic location: 22q12.3.
Variant type: single nucleotide variant.
Coding change: c.*1237A>G on transcript NM_000343.4 (MANE Select); 1237 bases downstream of the stop codon, A replaced by G.
Molecular consequence: 3 prime UTR variant.
Genome position (GRCh38, 1-based): chr22:32,111,450, A>G. VCF-style: chr22-32111450-A-G. GRCh37 (hg19) VCF-style: chr22-32507437-A-G.
Other names: c.*1237A>G (NM_001256314.2).
Identifiers: ClinVar variation 341282 (VCV000341282.5), dbSNP rs368732312, ClinGen allele CA10654040.

ClinVar aggregate classification (germline): Likely benign (1 of 4 stars; one submission).

Conditions:
Congenital glucose-galactose malabsorption (GGM). Also called: MONOSACCHARIDE MALABSORPTION; DIARRHEA 16. Identifiers: Orphanet 35710, MedGen C0268186, MONDO:0011731, OMIM 606824.

Allele frequency attached by ClinVar (database versions not stated): gnomAD 0.00016 and 0.00029; TOPMed 0.00019; 1000 Genomes Project 30x 0.00250; 1000 Genomes Project 0.00260.

Submission:

Illumina Laboratory Services, Illumina
Classification: Likely benign for Congenital glucose-galactose malabsorption. Last evaluated: 2018-01-13. Review status: criteria provided, single submitter. Criteria: ICSL Variant Classification Criteria 13 December 2019. Collection method: clinical testing. Allele origin: germline.
Comment: This variant was observed in the ICSL laboratory as part of a predisposition screen in an ostensibly healthy population. It had not been previously curated by ICSL or reported in the Human Gene Mutation Database (HGMD: prior to June 1st, 2018), and was therefore a candidate for classification through an automated scoring system. Utilizing variant allele frequency, disease prevalence and penetrance estimates, and inheritance mode, an automated score was calculated to assess if this variant is too frequent to cause the disease. Based on the score and internal cut-off values, a variant classified as likely benign is not then subjected to further curation. The score for this variant resulted in a classification of likely benign for this disease.